The following is an entry in ClinVar:

ClinVar aggregate classification (germline): Uncertain significance (1 of 4 stars; one submission).

Conditions:
Hereditary pancreatitis (PCTT). Also called: Hereditary chronic pancreatitis; PRSS1-Related Hereditary Pancreatitis. Identifiers: Orphanet 676, MedGen C0238339, MONDO:0008185, OMIM 167800.

Submission:

Ambry Genetics
Classification: Uncertain significance for Hereditary pancreatitis. Last evaluated: 2026-04-28. Review status: criteria provided, single submitter. Criteria: Ambry Variant Classification Scheme 2023. Collection method: clinical testing. Allele origin: germline.
Comment: The p.E87K variant (also known as c.259G>A), located in coding exon 3 of the CPA1 gene, results from a G to A substitution at nucleotide position 259. The glutamic acid at codon 87 is replaced by lysine, an amino acid with similar properties. This amino acid position is conserved. In addition, this alteration is predicted to be tolerated by in silico analysis. Based on the available evidence, the clinical significance of this variant remains unclear.

NM_001868.4(CPA1):c.259G>A (p.Glu87Lys)

Gene: CPA1 (carboxypeptidase A1; plus strand). Cytogenetic location: 7q32.2.
Variant type: single nucleotide variant.
Coding change: c.259G>A on transcript NM_001868.4 (MANE Select); coding-DNA position 259, G replaced by A.
Protein change: p.Glu87Lys; replaces glutamic acid 87 with lysine.
Molecular consequence: missense variant.
Genome position (GRCh38, 1-based): chr7:130,381,741, G>A. VCF-style: chr7-130381741-G-A. GRCh37 (hg19) VCF-style: chr7-130021582-G-A.
Other names: short protein forms E87K.
Identifiers: ClinVar variation 4869366 (VCV004869366.1).